The following is an entry in ClinVar:

ClinVar aggregate classification (germline): Benign/Likely benign. Review status: criteria provided, multiple submitters, no conflicts (2 of 4 stars). 6 submissions from 6 submitters: Benign (2); Likely benign (3). 1 of the submissions does not count toward it. Last evaluated 2026-08-01.

Conditions:
Rubinstein-Taybi syndrome due to EP300 haploinsufficiency. Also called: RUBINSTEIN-TAYBI SYNDROME 2; EP300-Related Rubinstein-Taybi Syndrome. Identifiers: Orphanet 353284, Orphanet 783, MedGen C3150941, MONDO:0013364, OMIM 613684.
EP300-related disorder. Also called: EP300-related condition; EP300-related disorders.

Allele frequency attached by ClinVar (database versions not stated): TOPMed 0.00087; gnomAD 0.00100; gnomAD exomes 0.00106; ESP Exome Variant Server 0.00123.
gnomAD v4.1: 1,679 of 1,614,186 alleles (0.1%); highest among the groups gnomAD compares: Non-Finnish European, 0.13%; 3 homozygotes.

Submissions (6):

CeGaT Center for Human Genetics Tuebingen
Classification: Likely benign. Last evaluated: 2026-08-01. Review status: criteria provided, single submitter. Criteria: CeGaT Center For Human Genetics Tuebingen Variant Classification Criteria Version 2. Collection method: clinical testing. Allele origin: germline. Affected: yes. Observed: 25 variant alleles.
Comment: EP300: BP4, BP7, BS1

Labcorp Genetics (formerly Invitae), Labcorp
Classification: Benign for Rubinstein-Taybi syndrome due to EP300 haploinsufficiency. Last evaluated: 2026-01-14. Review status: criteria provided, single submitter. Criteria: Invitae Variant Classification Sherloc (09022015). Collection method: clinical testing. Allele origin: germline.

Blueprint Genetics
Classification: Likely benign. Last evaluated: 2024-11-12. Review status: criteria provided, single submitter. Criteria: ACMG Guidelines, 2015. Collection method: clinical testing. Allele origin: germline.

GeneDx
Classification: Benign. Last evaluated: 2019-11-15. Review status: criteria provided, single submitter. Criteria: GeneDx Variant Classification Process June 2021. Collection method: clinical testing. Allele origin: germline. Affected: yes.

Eurofins Ntd Llc (ga)
Classification: Likely benign. Last evaluated: 2017-01-04. Review status: criteria provided, single submitter. Criteria: EGL Classification Definitions 2015. Collection method: clinical testing. Allele origin: germline. Observed: 1 variant allele, 1 heterozygote.

PreventionGenetics, part of Exact Sciences
Classification: Likely benign for EP300-related condition. Last evaluated: 2019-08-05. Review status: no assertion criteria provided. Collection method: clinical testing. Allele origin: germline. Not counted in ClinVar's aggregate classification.
Comment: This variant is classified as likely benign based on ACMG/AMP sequence variant interpretation guidelines (Richards et al. 2015 PMID: 25741868, with internal and published modifications).

NM_001429.4(EP300):c.6969C>G (p.Pro2323=)

Gene: EP300 (EP300 lysine acetyltransferase; plus strand). Cytogenetic location: 22q13.2.
Variant type: single nucleotide variant.
Coding change: c.6969C>G on transcript NM_001429.4 (MANE Select); coding-DNA position 6969, C replaced by G.
Protein change: p.Pro2323=; no amino-acid change (proline 2323 retained).
Molecular consequence: synonymous variant.
Genome position (GRCh38, 1-based): chr22:41,178,680, C>G. VCF-style: chr22-41178680-C-G. GRCh37 (hg19) VCF-style: chr22-41574684-C-G.
Other names: c.6891C>G, p.Pro2297= (NM_001362843.2).
Identifiers: ClinVar variation 341829 (VCV000341829.47), dbSNP rs111489369, ClinGen allele CA10253994.